The following is an entry in ClinVar:

NM_182925.5(FLT4):c.4033G>A (p.Glu1345Lys)

Gene: FLT4 (fms related receptor tyrosine kinase 4; minus strand). Cytogenetic location: 5q35.3.
Variant type: single nucleotide variant.
Coding change: c.4033G>A on transcript NM_182925.5 (MANE Select); coding-DNA position 4033, G replaced by A.
Protein change: p.Glu1345Lys; replaces glutamic acid 1345 with lysine.
Molecular consequence: missense variant.
Genome position (GRCh38, 1-based): chr5:180,603,251, C>T on the plus strand (G>A on the coding strand, the complement: FLT4 is on the minus strand). VCF-style: chr5-180603251-C-T. GRCh37 (hg19) VCF-style: chr5-180030251-C-T.
Other names: short protein forms E1345K.
Identifiers: ClinVar variation 3030230 (VCV003030230.2), dbSNP rs781063816, ClinGen allele CA3605593.

ClinVar aggregate classification (germline): Uncertain significance (0 of 4 stars; one submission).

Conditions:
FLT4-related disorder. Also called: FLT4-related condition.

Allele frequency attached by ClinVar (database versions not stated): ExAC 0.00001; gnomAD exomes 0.00002; TOPMed 0.00003.
gnomAD v4.1: 45 of 1,614,084 alleles (0.0028%); highest among the groups gnomAD compares: African/African-American, 0.0067%; no homozygotes.

Submission:

PreventionGenetics, part of Exact Sciences
Classification: Uncertain significance for FLT4-related condition. Last evaluated: 2024-01-22. Review status: no assertion criteria provided. Collection method: clinical testing. Allele origin: germline.
Comment: The FLT4 c.4033G>A variant is predicted to result in the amino acid substitution p.Glu1345Lys. To our knowledge, this variant has not been reported in the literature. This variant is reported in 0.0027% of alleles in individuals of European (Non-Finnish) descent in gnomAD. At this time, the clinical significance of this variant is uncertain due to the absence of conclusive functional and genetic evidence.